The following is an entry in ClinVar:

ClinVar aggregate classification (germline): Uncertain significance. Review status: criteria provided, multiple submitters, no conflicts (2 of 4 stars). 2 submissions from 2 submitters: Uncertain significance (2). Last evaluated 2026-01-08.

Conditions:
Inborn genetic diseases. Identifiers: MedGen C0950123, MeSH D030342.
Aicardi-Goutieres syndrome 6 (AGS6). Identifiers: Orphanet 51, MedGen C3539013, MONDO:0014007, OMIM 615010.
Symmetrical dyschromatosis of extremities (DSH). Also called: DYSCHROMATOSIS SYMMETRICA HEREDITARIA 1; RETICULATE ACROPIGMENTATION OF DOHI; SYMMETRIC DYSCHROMATOSIS OF THE EXTREMITIES; Dyschromatosis symmetrica hereditaria. Identifiers: Orphanet 41, MedGen C0406775, MONDO:0007483, OMIM 127400.

Allele frequency attached by ClinVar (database versions not stated): 1000 Genomes Project 0.00020; ExAC 0.00002; gnomAD 0.00003; TOPMed 0.00004; 1000 Genomes Project 30x 0.00016; gnomAD exomes 0.00003.

Submissions (2):

Labcorp Genetics (formerly Invitae), Labcorp
Classification: Uncertain significance for Aicardi-Goutieres syndrome 6; Symmetrical dyschromatosis of extremities. Last evaluated: 2026-01-08. Review status: criteria provided, single submitter. Criteria: Invitae Variant Classification Sherloc (09022015). Collection method: clinical testing. Allele origin: germline.
Comment: This sequence change replaces isoleucine, which is neutral and non-polar, with threonine, which is neutral and polar, at codon 793 of the ADAR protein (p.Ile793Thr). This variant is present in population databases (rs201233872, gnomAD 0.006%), including at least one homozygous and/or hemizygous individual. This variant has not been reported in the literature in individuals affected with ADAR-related conditions. ClinVar contains an entry for this variant (Variation ID: 2040948). Invitae Evidence Modeling of protein sequence and biophysical properties (such as structural, functional, and spatial information, amino acid conservation, physicochemical variation, residue mobility, and thermodynamic stability) indicates that this missense variant is expected to disrupt ADAR protein function with a positive predictive value of 80%. In summary, the available evidence is currently insufficient to determine the role of this variant in disease. Therefore, it has been classified as a Variant of Uncertain Significance.

Ambry Genetics
Classification: Uncertain significance for Inborn genetic diseases. Last evaluated: 2024-06-10. Review status: criteria provided, single submitter. Criteria: Ambry Variant Classification Scheme 2023. Collection method: clinical testing. Allele origin: germline.

NM_001111.5(ADAR):c.2378T>C (p.Ile793Thr)

Gene: ADAR (adenosine deaminase RNA specific; minus strand). Cytogenetic location: 1q21.3.
Variant type: single nucleotide variant.
Coding change: c.2378T>C on transcript NM_001111.5 (MANE Select); coding-DNA position 2378, T replaced by C.
Protein change: p.Ile793Thr; replaces isoleucine 793 with threonine.
Molecular consequence: missense variant.
Genome position (GRCh38, 1-based): chr1:154,590,302, A>G on the plus strand (T>C on the coding strand, the complement: ADAR is on the minus strand). VCF-style: chr1-154590302-A-G. GRCh37 (hg19) VCF-style: chr1-154562778-A-G.
Other names: c.1493T>C, p.Ile498Thr (NM_001025107.3, NM_001193495.2, NM_001365046.1 and 3 more transcripts); c.2405T>C, p.Ile802Thr (NM_001365045.1); c.2378T>C, p.Ile793Thr (NM_015840.4); c.2321T>C, p.Ile774Thr (NM_015841.4); c.2378T>C (NM_001111.4); short protein forms I793T, I802T, I498T, I774T.
Identifiers: ClinVar variation 2040948 (VCV002040948.5), dbSNP rs201233872, ClinGen allele CA1131305.